The following is an entry in ClinVar:

ClinVar aggregate classification (germline): Uncertain significance (1 of 4 stars; one submission).

Allele frequency attached by ClinVar (database versions not stated): TOPMed below 0.00001; gnomAD 0.00001; gnomAD exomes 0.00001; ExAC 0.00004.
gnomAD v4.1: 7 of 1,614,046 alleles (0.00043%); highest among the groups gnomAD compares: East Asian, 0.013%; no homozygotes.

Submission:

Ambry Genetics
Classification: Uncertain significance. Last evaluated: 2023-09-28. Review status: criteria provided, single submitter. Criteria: Ambry Variant Classification Scheme 2023. Collection method: clinical testing. Allele origin: germline.
Comment: The p.E422Q variant (also known as c.1264G>C), located in coding exon 12 of the RAD54L gene, results from a G to C substitution at nucleotide position 1264. The glutamic acid at codon 422 is replaced by glutamine, an amino acid with highly similar properties. This amino acid position is conserved. In addition, the in silico prediction for this alteration is inconclusive. Since supporting evidence is limited at this time, the clinical significance of this alteration remains unclear.

NM_003579.4(RAD54L):c.1264G>C (p.Glu422Gln)

Gene: RAD54L (RAD54 like; plus strand). Cytogenetic location: 1p34.1.
Variant type: single nucleotide variant.
Coding change: c.1264G>C on transcript NM_003579.4 (MANE Select); coding-DNA position 1264, G replaced by C.
Protein change: p.Glu422Gln; replaces glutamic acid 422 with glutamine.
Molecular consequence: missense variant.
Genome position (GRCh38, 1-based): chr1:46,272,691, G>C. VCF-style: chr1-46272691-G-C. GRCh37 (hg19) VCF-style: chr1-46738363-G-C.
Other names: c.1264G>C, p.Glu422Gln (NM_001142548.2); c.724G>C, p.Glu242Gln (NM_001370766.1); short protein forms E422Q, E242Q.
Identifiers: ClinVar variation 1763905 (VCV001763905.2), dbSNP rs764501641, ClinGen allele CA834559.
Genomic context (GRCh38, chr1:46,272,691, plus strand): 5'-GGTGGTCTAGCTTTTTCCACTGACCCAGCTGCCTTTTTTAGGCTGACACCCCTTCAGACT[G>C]AGTTATACAAGAGGTTTCTGAGACAAGCCAAACCGGCAGAAGAATTGCTTGAGGGCAAGA-3'
Protein context (NP_003570.2, residues 412-432): VCCRLTPLQT[Glu422Gln]LYKRFLRQAK